The following is an entry in ClinVar:

NM_003106.4(SOX2):c.599A>G (p.Tyr200Cys)

Genes: SOX2 (SRY-box transcription factor 2; plus strand), SOX2-OT (SOX2 overlapping transcript; plus strand). Cytogenetic location: 3q26.33.
Variant type: single nucleotide variant.
Coding change: c.599A>G on transcript NM_003106.4 (MANE Select); coding-DNA position 599, A replaced by G.
Protein change: p.Tyr200Cys; replaces tyrosine 200 with cysteine.
Molecular consequence: missense variant.
Genome position (GRCh38, 1-based): chr3:181,712,959, A>G. VCF-style: chr3-181712959-A-G. GRCh37 (hg19) VCF-style: chr3-181430747-A-G.
Other names: short protein forms Y200C.
Identifiers: ClinVar variation 2662541 (VCV002662541.1), dbSNP rs2473719360, ClinGen allele CA355474237.

ClinVar aggregate classification (germline): Uncertain significance (1 of 4 stars; one submission).

Allele frequency attached by ClinVar (database versions not stated): gnomAD exomes below 0.00001.

Submission:

GeneDx
Classification: Uncertain significance. Last evaluated: 2023-04-14. Review status: criteria provided, single submitter. Criteria: GeneDx Variant Classification Process June 2021. Collection method: clinical testing. Allele origin: germline. Affected: yes.
Comment: Not observed at significant frequency in large population cohorts (gnomAD); In silico analysis supports that this missense variant has a deleterious effect on protein structure/function; Has not been previously published as pathogenic or benign to our knowledge